The following is an entry in ClinVar:

ClinVar aggregate classification (germline): Uncertain significance (1 of 4 stars; one submission).

Conditions:
Chuvash polycythemia. Also called: POLYCYTHEMIA, VHL-DEPENDENT. Identifiers: Orphanet 238557, MedGen C1837915, MONDO:0009892, OMIM 263400.
Von Hippel-Lindau syndrome (VHLS). Also called: Von Hippel-Lindau; von Hippel–Lindau syndrome; VHL syndrome. Identifiers: Orphanet 892, MedGen C0019562, MONDO:0008667, OMIM 193300. Disease mechanism: loss of function.

Submission:

Labcorp Genetics (formerly Invitae), Labcorp
Classification: Uncertain significance for Von Hippel-Lindau syndrome; Chuvash polycythemia. Last evaluated: 2022-04-27. Review status: criteria provided, single submitter. Criteria: Invitae Variant Classification Sherloc (09022015). Collection method: clinical testing. Allele origin: germline.
Comment: Algorithms developed to predict the effect of sequence changes on RNA splicing suggest that this variant is not likely to affect RNA splicing. In summary, the available evidence is currently insufficient to determine the role of this variant in disease. Therefore, it has been classified as a Variant of Uncertain Significance. This variant has not been reported in the literature in individuals affected with VHL-related conditions. This variant is not present in population databases (gnomAD no frequency). This sequence change falls in intron 1 of the VHL gene. It is not expected to change the encoded amino acid sequence of the VHL protein. However, this sequence change falls within a cryptic exon in the VHL gene, known as exon E1’, which is naturally expressed at low levels in several human tissues (PMID: 29891534).

Literature cited by the submitters: PubMed 29891534.

NM_000551.4(VHL):c.340+754T>A

Genes: VHL (von Hippel-Lindau tumor suppressor; plus strand), LOC107303340 (3p25 von Hippel-Lindau tumor suppressor, E3 ubiquitin protein ligase Alu-mediated recombination region; plus strand). Cytogenetic location: 3p25.3.
Variant type: single nucleotide variant.
Coding change: c.340+754T>A on transcript NM_000551.4 (MANE Select); 754 bases into the intron after coding-DNA position 340, T replaced by A.
Molecular consequence: intron variant. On other transcripts: synonymous variant (1), non-coding transcript variant (1).
Genome position (GRCh38, 1-based): chr3:10,142,941, T>A. VCF-style: chr3-10142941-T-A. GRCh37 (hg19) VCF-style: chr3-10184625-T-A.
Other names: c.519T>A, p.Gly173= (NM_001354723.2); c.340+754T>A (NM_198156.3).
Identifiers: ClinVar variation 2123462 (VCV002123462.4), dbSNP rs1696163085, ClinGen allele CA2580068445.